The following is an entry in ClinVar:

NM_024577.4(SH3TC2):c.3500T>G (p.Val1167Gly)

Gene: SH3TC2 (SH3 domain and tetratricopeptide repeats 2; minus strand). Cytogenetic location: 5q32.
Variant type: single nucleotide variant.
Coding change: c.3500T>G on transcript NM_024577.4 (MANE Select); coding-DNA position 3500, T replaced by G.
Protein change: p.Val1167Gly; replaces valine 1167 with glycine.
Molecular consequence: missense variant.
Genome position (GRCh38, 1-based): chr5:149,007,056, A>C on the plus strand (T>G on the coding strand, the complement: SH3TC2 is on the minus strand). VCF-style: chr5-149007056-A-C. GRCh37 (hg19) VCF-style: chr5-148386619-A-C.
Other names: short protein forms V1167G.
Identifiers: ClinVar variation 1475366 (VCV001475366.8), dbSNP rs2127392009, ClinGen allele CA361664242.
Genomic context (GRCh38, chr5:149,007,056, plus strand): 5'-TCCTCAGCCATCTCATACATGTGCAGGGAGTAGTACACTGTAGCCAGGCGGTGAAAGGCC[A>C]CCAGCTCTTGCCTCTGATCTCCTAAGAATTGGAAGACTGAGAGAGATATCCTGCAACCAA-3'
Protein context (NP_078853.2, residues 1157-1177): TVTGDQRQEL[Val1167Gly]AFHRLATVYY

ClinVar aggregate classification (germline): Uncertain significance (1 of 4 stars; one submission).

Conditions:
Charcot-Marie-Tooth disease type 4. Also called: Charcot-Marie-Tooth disease, type IV; Charcot-Marie-Tooth, Type 4. Identifiers: Orphanet 64749, MedGen C4082197, MONDO:0018995.

Submission:

Labcorp Genetics (formerly Invitae), Labcorp
Classification: Uncertain significance for Charcot-Marie-Tooth disease type 4. Last evaluated: 2021-04-26. Review status: criteria provided, single submitter. Criteria: Invitae Variant Classification Sherloc (09022015). Collection method: clinical testing. Allele origin: germline.
Comment: This sequence change replaces valine with glycine at codon 1167 of the SH3TC2 protein (p.Val1167Gly). The valine residue is highly conserved and there is a moderate physicochemical difference between valine and glycine. This variant is not present in population databases (ExAC no frequency). This variant has not been reported in the literature in individuals with SH3TC2-related conditions. Advanced modeling of protein sequence and biophysical properties (such as structural, functional, and spatial information, amino acid conservation, physicochemical variation, residue mobility, and thermodynamic stability) performed at Invitae indicates that this missense variant is not expected to disrupt SH3TC2 protein function. In summary, the available evidence is currently insufficient to determine the role of this variant in disease. Therefore, it has been classified as a Variant of Uncertain Significance.